The following is an entry in ClinVar:

ClinVar aggregate classification (germline): Benign/Likely benign. Review status: criteria provided, multiple submitters, no conflicts (2 of 4 stars). 3 submissions from 3 submitters: Benign (1); Likely benign (2). Last evaluated 2021-06-10.

Conditions:
Autosomal recessive Alport syndrome (ATS2). Also called: COL4A3-Related Nephropathy; Alport syndrome type 2; COL4A4 Alport Syndrome and Thin Basement Membrane Nephropathy; ALPORT SYNDROME 2, AUTOSOMAL RECESSIVE. Identifiers: Orphanet 63, Orphanet 88919, MedGen C4746745, MONDO:0008762, OMIM 203780.

Allele frequency attached by ClinVar (database versions not stated): 1000 Genomes Project 0.00978; 1000 Genomes Project 30x 0.00984; gnomAD 0.01910 and 0.01948; TOPMed 0.01957; ESP Exome Variant Server 0.02300; gnomAD exomes 0.02595.
gnomAD v4.1: 29,429 of 1,165,430 alleles (2.5%); highest among the groups gnomAD compares: Middle Eastern, 5.1%; 533 homozygotes.

Submissions (3):

Genome-Nilou Lab
Classification: Benign for Autosomal recessive Alport syndrome. Last evaluated: 2021-06-10. Review status: criteria provided, single submitter. Criteria: ACMG Guidelines, 2015. Collection method: clinical testing. Allele origin: germline. Affected: no.

GeneDx
Classification: Likely benign. Last evaluated: 2018-06-16. Review status: criteria provided, single submitter. Criteria: GeneDx Variant Classification (06012015). Collection method: clinical testing. Allele origin: germline. Affected: yes.
Comment: This variant is considered likely benign or benign based on one or more of the following criteria: it is a conservative change, it occurs at a poorly conserved position in the protein, it is predicted to be benign by multiple in silico algorithms, and/or has population frequency not consistent with disease.

Breakthrough Genomics
Classification: Likely benign. Review status: criteria provided, single submitter. Criteria: ACMG Guidelines, 2015. Collection method: not provided. Allele origin: germline. Inheritance: Autosomal recessive inheritance. Affected: yes.

NM_000091.5(COL4A3):c.988-80T>C

Genes: COL4A3 (collagen type IV alpha 3 chain; plus strand), MFF-DT (MFF divergent transcript; minus strand). Cytogenetic location: 2q36.3.
Variant type: single nucleotide variant.
Coding change: c.988-80T>C on transcript NM_000091.5 (MANE Select); 80 bases into the intron before coding-DNA position 988, T replaced by C.
Molecular consequence: intron variant.
Genome position (GRCh38, 1-based): chr2:227,257,523, T>C. VCF-style: chr2-227257523-T-C. GRCh37 (hg19) VCF-style: chr2-228122239-T-C.
Identifiers: ClinVar variation 683248 (VCV000683248.5), dbSNP rs56326869, ClinGen allele CA11310767.